The following is an entry in ClinVar:

NM_002156.5(HSPD1):c.668A>G (p.Tyr223Cys)

Gene: HSPD1 (heat shock protein family D (Hsp60) member 1; minus strand). Cytogenetic location: 2q33.1.
Variant type: single nucleotide variant.
Coding change: c.668A>G on transcript NM_002156.5 (MANE Select); coding-DNA position 668, A replaced by G.
Protein change: p.Tyr223Cys; replaces tyrosine 223 with cysteine.
Molecular consequence: missense variant.
Genome position (GRCh38, 1-based): chr2:197,494,189, T>C on the plus strand (A>G on the coding strand, the complement: HSPD1 is on the minus strand). VCF-style: chr2-197494189-T-C. GRCh37 (hg19) VCF-style: chr2-198358913-T-C.
Other names: c.668A>G, p.Tyr223Cys (NM_199440.2); short protein forms Y223C.
Identifiers: ClinVar variation 2721422 (VCV002721422.3), dbSNP rs1390020570, ClinGen allele CA350201856.
Genomic context (GRCh38, chr2:197,494,189, plus strand): 5'-AATAATTCAGTTATTGATTTGTTCTTACCTTTTGATGTATTAATAAAGTATGGAGAAATA[T>C]AGCCTCGATCAAACTTCATGCCTTCAATAATTTCTAATTCATCATTCAGTGTTTTTCCAT-3'
Protein context (NP_002147.2, residues 213-233): IIEGMKFDRG[Tyr223Cys]ISPYFINTSK

ClinVar aggregate classification (germline): Uncertain significance (1 of 4 stars; one submission).

Conditions:
Spastic paraplegia. Identifiers: MedGen C0037772, HP:0001258.

Submission:

Labcorp Genetics (formerly Invitae), Labcorp
Classification: Uncertain significance for Spastic paraplegia. Last evaluated: 2023-05-29. Review status: criteria provided, single submitter. Criteria: Invitae Variant Classification Sherloc (09022015). Collection method: clinical testing. Allele origin: germline.
Comment: In summary, the available evidence is currently insufficient to determine the role of this variant in disease. Therefore, it has been classified as a Variant of Uncertain Significance. Advanced modeling of protein sequence and biophysical properties (such as structural, functional, and spatial information, amino acid conservation, physicochemical variation, residue mobility, and thermodynamic stability) performed at Invitae indicates that this missense variant is expected to disrupt HSPD1 protein function. This variant has not been reported in the literature in individuals affected with HSPD1-related conditions. This variant is present in population databases (no rsID available, gnomAD 0.0009%). This sequence change replaces tyrosine, which is neutral and polar, with cysteine, which is neutral and slightly polar, at codon 223 of the HSPD1 protein (p.Tyr223Cys).